The following is an entry in ClinVar:

ClinVar aggregate classification (germline): Likely benign (0 of 4 stars; one submission).

Conditions:
SATB1-related disorder. Also called: SATB1-related condition.

gnomAD v4.1: 29 of 1,614,134 alleles (0.0018%); highest among the groups gnomAD compares: African/African-American, 0.023%; no homozygotes.

Submission:

PreventionGenetics, part of Exact Sciences
Classification: Likely benign for SATB1-related condition. Last evaluated: 2024-09-04. Review status: no assertion criteria provided. Collection method: clinical testing. Allele origin: germline.
Comment: This variant is classified as likely benign based on ACMG/AMP sequence variant interpretation guidelines (Richards et al. 2015 PMID: 25741868, with internal and published modifications).

NM_002971.6(SATB1):c.68C>T (p.Pro23Leu)

Gene: SATB1 (SATB homeobox 1; minus strand). Cytogenetic location: 3p24.3.
Variant type: single nucleotide variant.
Coding change: c.68C>T on transcript NM_002971.6 (MANE Select); coding-DNA position 68, C replaced by T.
Protein change: p.Pro23Leu; replaces proline 23 with leucine.
Molecular consequence: missense variant. On other transcripts: intron variant (1).
Genome position (GRCh38, 1-based): chr3:18,420,900, G>A on the plus strand (C>T on the coding strand, the complement: SATB1 is on the minus strand). VCF-style: chr3-18420900-G-A. GRCh37 (hg19) VCF-style: chr3-18462392-G-A.
Other names: c.68C>T, p.Pro23Leu (NM_001131010.4, NM_001195470.3, NM_001322871.2 and 4 more transcripts); c.-5-3822C>T (NM_001322876.2); short protein forms P23L.
Identifiers: ClinVar variation 3351692 (VCV003351692.1).